The following is an entry in ClinVar:

NM_080680.3(COL11A2):c.630T>G (p.Ile210Met)

Gene: COL11A2 (collagen type XI alpha 2 chain; minus strand). Cytogenetic location: 6p21.32.
Variant type: single nucleotide variant.
Coding change: c.630T>G on transcript NM_080680.3 (MANE Select); coding-DNA position 630, T replaced by G.
Protein change: p.Ile210Met; replaces isoleucine 210 with methionine.
Molecular consequence: missense variant.
Genome position (GRCh38, 1-based): chr6:33,186,795, A>C on the plus strand (T>G on the coding strand, the complement: COL11A2 is on the minus strand). VCF-style: chr6-33186795-A-C. GRCh37 (hg19) VCF-style: chr6-33154572-A-C.
Other names: c.630T>G, p.Ile210Met (NM_001163771.2, NM_080679.3, NM_080681.3); short protein forms I210M.
Identifiers: ClinVar variation 2574516 (VCV002574516.1), dbSNP rs2535506687, ClinGen allele CA363610646.

ClinVar aggregate classification (germline): Uncertain significance (1 of 4 stars; one submission).

Submission:

GeneDx
Classification: Uncertain significance. Last evaluated: 2023-01-30. Review status: criteria provided, single submitter. Criteria: GeneDx Variant Classification Process June 2021. Collection method: clinical testing. Allele origin: germline. Affected: yes.
Comment: Has not been previously published as pathogenic or benign to our knowledge; Not observed at significant frequency in large population cohorts (gnomAD); In silico analysis supports that this missense variant does not alter protein structure/function